The following is an entry in ClinVar:

NM_001004356.3(FGFRL1):c.1468_1471del (p.Ser490fs)

Gene: FGFRL1 (fibroblast growth factor receptor like 1; plus strand). Cytogenetic location: 4p16.3.
Variant type: Deletion.
Coding change: c.1468_1471del on transcript NM_001004356.3 (MANE Select); coding-DNA positions 1468 to 1471, 4 bases deleted (TCAC; older notation c.1468_1471delTCAC).
Protein change: p.Ser490fs; shifts the reading frame from serine 490.
Molecular consequence: frameshift variant.
Genome position (GRCh38, 1-based): chr4:1,025,300-1,025,303, TCAC deleted; deleting any 4 consecutive bases within chr4:1,025,297-1,025,303 gives the same sequence; the c. name uses the placement nearest the transcript's 3' end. VCF-style (leftmost placement, unchanged base first): chr4-1025296-ACACT-A. GRCh37 (hg19) VCF-style: chr4-1019084-ACACT-A.
Other names: c.1468_1471del, p.Ser490fs (NM_001004358.1, NM_001370296.1, NM_021923.3); short protein forms S490fs.
Identifiers: ClinVar variation 1961777 (VCV001961777.5), dbSNP rs1391534379, ClinGen allele CA784519867.

ClinVar aggregate classification (germline): Uncertain significance (1 of 4 stars; one submission).

Submission:

Labcorp Genetics (formerly Invitae), Labcorp
Classification: Uncertain significance. Last evaluated: 2023-01-18. Review status: criteria provided, single submitter. Criteria: Invitae Variant Classification Sherloc (09022015). Collection method: clinical testing. Allele origin: germline.
Comment: This variant is not present in population databases (gnomAD no frequency). In summary, the available evidence is currently insufficient to determine the role of this variant in disease. Therefore, it has been classified as a Variant of Uncertain Significance. Experimental studies and prediction algorithms are not available or were not evaluated, and the functional significance of this variant is currently unknown. This variant has not been reported in the literature in individuals affected with FGFRL1-related conditions. This sequence change results in a frameshift in the FGFRL1 gene (p.Ser490Thrfs*89). While this is not anticipated to result in nonsense mediated decay, it is expected to disrupt the last 15 amino acid(s) of the FGFRL1 protein and extend the protein by 73 additional amino acid residues.